The following is an entry in ClinVar:

ClinVar aggregate classification (germline): Uncertain significance (1 of 4 stars; one submission).

Conditions:
DICER1-related tumor predisposition. Also called: DICER1 syndrome; DICER1-related pleuropulmonary blastoma cancer predisposition syndrome. Identifiers: Orphanet 284343, MedGen C3839822, MONDO:0100216.

Submission:

Labcorp Genetics (formerly Invitae), Labcorp
Classification: Uncertain significance for DICER1-related tumor predisposition. Last evaluated: 2023-06-27. Review status: criteria provided, single submitter. Criteria: Invitae Variant Classification Sherloc (09022015). Collection method: clinical testing. Allele origin: germline.
Comment: This variant has not been reported in the literature in individuals affected with DICER1-related conditions. This sequence change replaces methionine, which is neutral and non-polar, with valine, which is neutral and non-polar, at codon 1483 of the DICER1 protein (p.Met1483Val). This variant is not present in population databases (gnomAD no frequency). Algorithms developed to predict the effect of missense changes on protein structure and function output the following: SIFT: "Not Available"; PolyPhen-2: "Benign"; Align-GVGD: "Not Available". The valine amino acid residue is found in multiple mammalian species, which suggests that this missense change does not adversely affect protein function. In summary, the available evidence is currently insufficient to determine the role of this variant in disease. Therefore, it has been classified as a Variant of Uncertain Significance.

NM_177438.3(DICER1):c.4447A>G (p.Met1483Val)

Gene: DICER1 (dicer 1, ribonuclease III; minus strand). Cytogenetic location: 14q32.13.
Variant type: single nucleotide variant.
Coding change: c.4447A>G on transcript NM_177438.3 (MANE Select); coding-DNA position 4447, A replaced by G.
Protein change: p.Met1483Val; replaces methionine 1483 with valine.
Molecular consequence: missense variant. On other transcripts: non-coding transcript variant (6).
Genome position (GRCh38, 1-based): chr14:95,096,473, T>C on the plus strand (A>G on the coding strand, the complement: DICER1 is on the minus strand). VCF-style: chr14-95096473-T-C. GRCh37 (hg19) VCF-style: chr14-95562810-T-C.
Other names: c.4447A>G, p.Met1483Val (NM_001195573.1, NM_001271282.3, NM_001291628.2 and 13 more transcripts); c.4165A>G, p.Met1389Val (NM_001395686.1); c.4042A>G, p.Met1348Val (NM_001395687.1, NM_001395688.1, NM_001395689.1 and 2 more transcripts); c.3880A>G, p.Met1294Val (NM_001395691.1); c.2764A>G, p.Met922Val (NM_001395697.1); short protein forms M1294V, M922V, M1348V, M1389V, M1483V.
Identifiers: ClinVar variation 2912775 (VCV002912775.3), dbSNP rs2542502300, ClinGen allele CA390868435.